The following is an entry in ClinVar:

ClinVar aggregate classification (germline): Uncertain significance. Review status: criteria provided, multiple submitters, no conflicts (2 of 4 stars). 5 submissions from 5 submitters: Uncertain significance (5). Last evaluated 2026-08-04.

Conditions:
MYH6-related disorder. Also called: MYH6-related condition; MYH6-Related Disorders.
Cardiovascular phenotype. Identifiers: MedGen CN230736.
Hypertrophic cardiomyopathy 14. Identifiers: MedGen C2750467, MONDO:0013197, OMIM 613251.

Allele frequency attached by ClinVar (database versions not stated): gnomAD exomes 0.00001 and 0.00003; ExAC 0.00002; TOPMed 0.00006; gnomAD 0.00008 and 0.00009.
gnomAD v4.1: 61 of 1,614,044 alleles (0.0038%); highest among the groups gnomAD compares: Middle Eastern, 0.016%; no homozygotes.

Submissions (5):

PreventionGenetics, part of Exact Sciences
Classification: Uncertain significance for MYH6-related condition. Last evaluated: 2026-08-04. Review status: criteria provided, single submitter. Criteria: ACMG Guidelines, 2015. Collection method: clinical testing. Allele origin: germline.
Comment: The MYH6 c.421G>A variant is predicted to result in the amino acid substitution p.Ala141Thr. This variant has been reported in both control and affected individuals with dilated cardiomyopathy (Tables S3 and S4, Mazzarotto et al. 2020. PubMed ID: 31983221). This variant has also been reported in another cohort of individuals with cardiomyopathy (Table S2, Akinrinade et al. 2023. PubMed ID: 37477868). This variant is reported in 0.0050% of alleles in individuals of East Asian descent in gnomAD. At this time, the clinical significance of this variant is uncertain due to the absence of conclusive functional and genetic evidence.

Ambry Genetics
Classification: Uncertain significance for Cardiovascular phenotype. Last evaluated: 2023-12-07. Review status: criteria provided, single submitter. Criteria: Ambry Variant Classification Scheme 2023. Collection method: clinical testing. Allele origin: germline.
Comment: The p.A141T variant (also known as c.421G>A), located in coding exon 3 of the MYH6 gene, results from a G to A substitution at nucleotide position 421. The alanine at codon 141 is replaced by threonine, an amino acid with similar properties. This alteration has been reported in a dilated cardiomyopathy (DCM) cohort and was also noted in a healthy control (Mazzarotto F et al. Circulation, 2020 Feb;141:387-398). This alteration has also been reported as a secondary cardiac variant in an exome cohort; however, clinical details are limited (Ng D et al. Circ Cardiovasc Genet, 2013 Aug;6:337-46). This amino acid position is highly conserved in available vertebrate species. In addition, this alteration is predicted to be tolerated by in silico analysis. Since supporting evidence is limited at this time, the clinical significance of this alteration remains unclear.

Labcorp Genetics (formerly Invitae), Labcorp
Classification: Uncertain significance for Hypertrophic cardiomyopathy 14. Last evaluated: 2023-04-18. Review status: criteria provided, single submitter. Criteria: Invitae Variant Classification Sherloc (09022015). Collection method: clinical testing. Allele origin: germline.
Comment: This sequence change replaces alanine, which is neutral and non-polar, with threonine, which is neutral and polar, at codon 141 of the MYH6 protein (p.Ala141Thr). This variant is present in population databases (rs776853139, gnomAD 0.005%). This missense change has been observed in individual(s) with dilated cardiomyopathy (PMID: 31983221). ClinVar contains an entry for this variant (Variation ID: 191722). Advanced modeling of protein sequence and biophysical properties (such as structural, functional, and spatial information, amino acid conservation, physicochemical variation, residue mobility, and thermodynamic stability) performed at Invitae indicates that this missense variant is not expected to disrupt MYH6 protein function. In summary, the available evidence is currently insufficient to determine the role of this variant in disease. Therefore, it has been classified as a Variant of Uncertain Significance.

GeneDx
Classification: Uncertain significance. Last evaluated: 2020-10-20. Review status: criteria provided, single submitter. Criteria: GeneDx Variant Classification Process June 2021. Collection method: clinical testing. Allele origin: germline. Affected: yes.
Comment: Has not been previously published as pathogenic or benign to our knowledge; Not observed at a significant frequency in large population cohorts (Lek et al., 2016); In silico analysis supports that this missense variant has a deleterious effect on protein structure/function; This variant is associated with the following publications: (PMID: 31983221)

Biesecker Lab/Clinical Genomics Section, National Institutes of Health
Classification: Uncertain significance. Last evaluated: 2013-06-24. Review status: criteria provided, single submitter. Criteria: Ng et al. (Circ Cardiovasc Genet. 2013). Collection method: research. Allele origin: unknown. Observed: 1 variant allele. Study: ClinSeq.
Comment: The study set was not selected for affection status in relation to any cancer. Pathogenicity categories were based on literature curation. See Pubmed ID:23861362 for details.

Medical sequencing

Literature cited by the submitters: PubMed 23861362 (cited by Ambry Genetics); PubMed 31983221 (cited by Ambry Genetics and Labcorp Genetics (formerly Invitae), Labcorp); PubMed 37477868 (cited by Ambry Genetics).

NM_002471.4(MYH6):c.421G>A (p.Ala141Thr)

Genes: MYH6 (myosin heavy chain 6; minus strand), LOC114827851 (VISTA enhancer hs2155; plus strand). Cytogenetic location: 14q11.2.
Variant type: single nucleotide variant.
Coding change: c.421G>A on transcript NM_002471.4 (MANE Select); coding-DNA position 421, G replaced by A.
Protein change: p.Ala141Thr; replaces alanine 141 with threonine.
Molecular consequence: missense variant.
Genome position (GRCh38, 1-based): chr14:23,405,304, C>T on the plus strand (G>A on the coding strand, the complement: MYH6 is on the minus strand). VCF-style: chr14-23405304-C-T. GRCh37 (hg19) VCF-style: chr14-23874513-C-T.
Other names: short protein forms A141T.
Identifiers: ClinVar variation 191722 (VCV000191722.23), dbSNP rs776853139, ClinGen allele CA237373.